The following is an entry in ClinVar:

NM_000540.3(RYR1):c.12204G>A (p.Lys4068=)

Gene: RYR1 (ryanodine receptor 1; plus strand). Cytogenetic location: 19q13.2.
Variant type: single nucleotide variant.
Coding change: c.12204G>A on transcript NM_000540.3 (MANE Select); coding-DNA position 12204, G replaced by A.
Protein change: p.Lys4068=; no amino-acid change (lysine 4068 retained).
Molecular consequence: synonymous variant.
Genome position (GRCh38, 1-based): chr19:38,548,342, G>A. VCF-style: chr19-38548342-G-A. GRCh37 (hg19) VCF-style: chr19-39038982-G-A.
Other names: c.12189G>A, p.Lys4063= (NM_001042723.2).
Identifiers: ClinVar variation 3072230 (VCV003072230.2), dbSNP rs2514600630, ClinGen allele CA507243263.

ClinVar aggregate classification (germline): Conflicting classifications of pathogenicity. Review status: criteria provided, conflicting classifications (1 of 4 stars). 2 submissions from 2 submitters: Uncertain significance (1); Likely benign (1). Last evaluated 2025-02-12.

Conditions:
RYR1-related disorder. Also called: RYR1-related condition; RYR1-related disorders. Identifiers: MedGen CN239331.
Malignant hyperthermia, susceptibility to, 1 (MHS1). Also called: Anesthesia related hyperthermia; Malignant hyperpyrexia; Fulminating hyperpyrexia; Pharmacogenic myopathy; RYR1-Related Malignant Hyperthermia Susceptibility; Malignant hyperthermia suceptibility 1. Identifiers: Orphanet 423, MedGen C2930980, MONDO:0007783, OMIM 145600.

Submissions (2):

Labcorp Genetics (formerly Invitae), Labcorp
Classification: Likely benign for RYR1-related disorder. Last evaluated: 2025-02-12. Review status: criteria provided, single submitter. Criteria: Invitae Variant Classification Sherloc (09022015). Collection method: clinical testing. Allele origin: germline.

All of Us Research Program, National Institutes of Health
Classification: Uncertain significance for Malignant hyperthermia, susceptibility to, 1. Last evaluated: 2023-12-01. Review status: criteria provided, single submitter. Criteria: ACMG Guidelines, 2015. Collection method: clinical testing. Allele origin: germline. Inheritance: Autosomal dominant inheritance. Observed: 2 variant alleles, 2 heterozygotes.
Comment: This variant is located in the RYR1 protein. To our knowledge, functional studies have not been reported for this variant. This variant has not been reported in individuals affected with RYR1-related disorders in the literature. This variant has not been identified in the general population by the Genome Aggregation Database (gnomAD). The available evidence is insufficient to determine the role of this variant in disease conclusively. Therefore, this variant is classified as a Variant of Uncertain Significance.

This study involves interpretation of variants in research participants for the purpose of population health screening. Participant phenotype was not available at the time of variant classification. Additional details can be found in publication PMID: 35346344, PMCID: PMC8962531